The following is an entry in ClinVar:

NM_004168.4(SDHA):c.1284G>C (p.Gln428His)

Gene: SDHA (succinate dehydrogenase complex flavoprotein subunit A; plus strand). Cytogenetic location: 5p15.33.
Variant type: single nucleotide variant.
Coding change: c.1284G>C on transcript NM_004168.4 (MANE Select); coding-DNA position 1284, G replaced by C.
Protein change: p.Gln428His; replaces glutamine 428 with histidine.
Molecular consequence: missense variant.
Genome position (GRCh38, 1-based): chr5:236,451, G>C. VCF-style: chr5-236451-G-C. GRCh37 (hg19) VCF-style: chr5-236566-G-C.
Other names: c.1140G>C, p.Gln380His (NM_001294332.2); c.1284G>C, p.Gln428His (NM_001330758.2); short protein forms Q380H, Q428H.
Identifiers: ClinVar variation 1463404 (VCV001463404.8), dbSNP rs1735782951, ClinGen allele CA359013846.

ClinVar aggregate classification (germline): Uncertain significance (1 of 4 stars; one submission).

Conditions:
Mitochondrial complex II deficiency, nuclear type 1. Also called: SUCCINATE CoQ REDUCTASE DEFICIENCY. Identifiers: Orphanet 3208, MedGen C5700310, MONDO:0100294, OMIM 252011.
Pheochromocytoma/paraganglioma syndrome 5. Also called: Paragangliomas 5; SDHA-Related Hereditary Paraganglioma-Pheochromocytoma Syndrome. Identifiers: Orphanet 29072, MedGen C3279992, MONDO:0013602, OMIM 614165.

Submission:

Labcorp Genetics (formerly Invitae), Labcorp
Classification: Uncertain significance for Pheochromocytoma/paraganglioma syndrome 5; Mitochondrial complex II deficiency, nuclear type 1. Last evaluated: 2020-11-10. Review status: criteria provided, single submitter. Criteria: Invitae Variant Classification Sherloc (09022015). Collection method: clinical testing. Allele origin: germline.
Comment: This variant is not present in population databases (ExAC no frequency). This variant has not been reported in the literature in individuals with SDHA-related conditions. Advanced modeling of protein sequence and biophysical properties (such as structural, functional, and spatial information, amino acid conservation, physicochemical variation, residue mobility, and thermodynamic stability) performed at Invitae indicates that this missense variant is not expected to disrupt SDHA protein function. In summary, the available evidence is currently insufficient to determine the role of this variant in disease. Therefore, it has been classified as a Variant of Uncertain Significance. This sequence change replaces glutamine with histidine at codon 428 of the SDHA protein (p.Gln428His). The glutamine residue is weakly conserved and there is a small physicochemical difference between glutamine and histidine.